The following is an entry in ClinVar:

ClinVar aggregate classification (germline): Uncertain significance (1 of 4 stars; one submission).

Conditions:
Inborn genetic diseases. Identifiers: MedGen C0950123, MeSH D030342.

Submission:

Ambry Genetics
Classification: Uncertain significance for Inborn genetic diseases. Last evaluated: 2025-10-25. Review status: criteria provided, single submitter. Criteria: Ambry Variant Classification Scheme 2023. Collection method: clinical testing. Allele origin: germline.
Comment: The p.G813V variant (also known as c.2438G>T), located in coding exon 8 of the MECOM gene, results from a G to T substitution at nucleotide position 2438. The glycine at codon 813 is replaced by valine, an amino acid with dissimilar properties. This amino acid position is conserved. In addition, this alteration is predicted to be tolerated by in silico analysis. Based on the available evidence, the clinical significance of this variant remains unclear.

NM_004991.4(MECOM):c.2438G>T (p.Gly813Val)

Gene: MECOM (MDS1 and EVI1 complex locus; minus strand). Cytogenetic location: 3q26.2.
Variant type: single nucleotide variant.
Coding change: c.2438G>T on transcript NM_004991.4 (MANE Select); coding-DNA position 2438, G replaced by T.
Protein change: p.Gly813Val; replaces glycine 813 with valine.
Molecular consequence: missense variant.
Genome position (GRCh38, 1-based): chr3:169,115,434, C>A on the plus strand (G>T on the coding strand, the complement: MECOM is on the minus strand). VCF-style: chr3-169115434-C-A. GRCh37 (hg19) VCF-style: chr3-168833222-C-A.
Other names: c.2069G>T, p.Gly690Val (NM_001105077.4); c.1874G>T, p.Gly625Val (NM_001105078.4, NM_001164000.2, NM_001205194.2 and 4 more transcripts); c.1877G>T, p.Gly626Val (NM_001163999.2, NM_001366467.2, NM_001366468.2 and 1 more transcripts); c.2438G>T, p.Gly813Val (NM_001366466.2); c.1466G>T, p.Gly489Val (NM_001366473.2); c.902G>T, p.Gly301Val (NM_001366474.2); short protein forms G625V, G626V, G813V, G301V, G489V, G690V.
Identifiers: ClinVar variation 4624664 (VCV004624664.1).
Genomic context (GRCh38, chr3:169,115,434, plus strand): 5'-CACGCTTACCTGTAAATAGGGTCCATAAAGAAAGGAGTGGGTCTTGCATGCTGCAAGGAA[C>A]CATCTGAAGCAGGTCTTGATTCGACGTTGCTTCCTTTTTTTCCCCCAAACACGTGGTTTT-3'
Protein context (NP_004982.2, residues 803-823): SNVESRPASD[Gly813Val]SLQHARPTPF